The following is an entry in ClinVar:

NM_001377.3(DYNC2H1):c.9565C>T (p.Gln3189Ter)

Gene: DYNC2H1 (dynein cytoplasmic 2 heavy chain 1; plus strand). Cytogenetic location: 11q22.3.
Variant type: single nucleotide variant.
Coding change: c.9565C>T on transcript NM_001377.3 (MANE Select); coding-DNA position 9565, C replaced by T.
Protein change: p.Gln3189Ter; replaces glutamine 3189 with a stop codon.
Molecular consequence: nonsense.
Genome position (GRCh38, 1-based): chr11:103,234,158, C>T. VCF-style: chr11-103234158-C-T. GRCh37 (hg19) VCF-style: chr11-103104887-C-T.
Other names: c.9565C>T, p.Gln3189Ter (NM_001080463.2); short protein forms Q3189*.
Identifiers: ClinVar variation 446542 (VCV000446542.13), dbSNP rs373924400, ClinGen allele CA6254715.

ClinVar aggregate classification (germline): Pathogenic/Likely pathogenic. Review status: criteria provided, multiple submitters, no conflicts (2 of 4 stars). 8 submissions from 8 submitters: Pathogenic (5); Likely pathogenic (1). 2 of the submissions do not count toward it. Last evaluated 2026-01-12.

Conditions:
DYNC2H1-related disorder. Also called: DYNC2H1-related condition; DYNC2H1-related disorders. Identifiers: MedGen CN378770.
Jeune thoracic dystrophy. Also called: Short-rib thoracic dysplasia; Jeune syndrome; Infantile thoracic dystrophy; Thoracic pelvic phalangeal dystrophy; Jeune's syndrome; Chondroectodermal dysplasia-like syndrome. Identifiers: Orphanet 474, MedGen C0265275, MONDO:0018770.
Asphyxiating thoracic dystrophy 3. Also called: SHORT-RIB THORACIC DYSPLASIA 3 WITH OR WITHOUT POLYDACTYLY; POLYDACTYLY WITH NEONATAL CHONDRODYSTROPHY, TYPE I; SHORT-RIB THORACIC DYSPLASIA 3/6 WITH POLYDACTYLY, DIGENIC; Short rib polydactyly syndrome 2B; Saldino-Noonan Syndrome. Identifiers: Orphanet 474, Orphanet 93269, Orphanet 93270, Orphanet 93271, MedGen C0036069, MONDO:0013127, OMIM 613091.

Allele frequency attached by ClinVar (database versions not stated): TOPMed 0.00002; ExAC 0.00003; gnomAD 0.00003; ESP Exome Variant Server 0.00008; gnomAD exomes 0.00001.
gnomAD v4.1: 11 of 1,584,140 alleles (0.00069%); highest among the groups gnomAD compares: Admixed American, 0.0089%; no homozygotes.

Submissions (8):

Department of Genetics, Rouen University Hospital, Normandy Center for Genomic and Personalized Medicine
Classification: Pathogenic for Asphyxiating thoracic dystrophy 3. Last evaluated: 2026-01-12. Review status: criteria provided, single submitter. Criteria: ACMG Guidelines, 2015. Collection method: clinical testing. Allele origin: maternal. Affected: yes.

Otogenetics
Classification: Pathogenic for Asphyxiating thoracic dystrophy 3. Last evaluated: 2025-10-21. Review status: criteria provided, single submitter. Criteria: ACMG Guidelines, 2015. Collection method: clinical testing. Allele origin: germline.
Comment: PVS1: Stop gain variant introduces premature stop codon in gene with loss of function as mechanism of disease, predicted to undergo NMD; PM2: Maximum gnomAD MAF of 0.0067% in American (AMR) subpopulation (<0.1% threshold); PP3: In-silico models predict deleterious effect (MutationTaster = 1, BayesDel = 0.65)

Myriad Genetics, Inc.
Classification: Pathogenic for Asphyxiating thoracic dystrophy 3. Last evaluated: 2024-06-22. Review status: criteria provided, single submitter. Criteria: Myriad Autosomal Dominant, Autosomal Recessive and X-Linked Classification Criteria (2023). Collection method: clinical testing. Allele origin: unknown.
Comment: NM_001377.2(DYNC2H1):c.9565C>T(Q3189*) is expected to be pathogenic in the context of DYNC2H1-related disorders. This variant is predicted to lead to an abnormal or absent protein product due to the creation of a premature termination codon in DYNC2H1, a gene where loss-of-function variants are known to be pathogenic. Please note: this variant was assessed in the context of healthy population screening.

Labcorp Genetics (formerly Invitae), Labcorp
Classification: Pathogenic for Jeune thoracic dystrophy. Last evaluated: 2023-11-24. Review status: criteria provided, single submitter. Criteria: Invitae Variant Classification Sherloc (09022015). Collection method: clinical testing. Allele origin: germline.
Comment: This sequence change creates a premature translational stop signal (p.Gln3189*) in the DYNC2H1 gene. It is expected to result in an absent or disrupted protein product. Loss-of-function variants in DYNC2H1 are known to be pathogenic (PMID: 23339108, 32753734, 33755199). The frequency data for this variant in the population databases is considered unreliable, as metrics indicate poor data quality at this position in the gnomAD database. This premature translational stop signal has been observed in individual(s) with clinical features of DYNC2H1-related conditions (PMID: 29068549). ClinVar contains an entry for this variant (Variation ID: 446542). Algorithms developed to predict the effect of sequence changes on RNA splicing suggest that this variant may disrupt the consensus splice site. For these reasons, this variant has been classified as Pathogenic.

Blueprint Genetics
Classification: Likely pathogenic for DYNC2H1-related disorders. Last evaluated: 2022-03-14. Review status: criteria provided, single submitter. Criteria: ACMG Guidelines, 2015. Collection method: clinical testing. Allele origin: germline. Affected: yes. Observed: 1 variant allele.

Clinical Genetics Service, Universitary Hospital 12 de Octubre
Classification: Pathogenic for Asphyxiating thoracic dystrophy 3. Review status: criteria provided, single submitter. Criteria: ACMG Guidelines, 2015. Collection method: clinical testing. Allele origin: germline. Affected: yes.

Dan Cohn Lab, University Of California Los Angeles
Classification: Pathogenic for Asphyxiating thoracic dystrophy 3. Last evaluated: 2017-06-01. Review status: no assertion criteria provided. Collection method: research. Allele origin: unknown. Affected: yes. Not counted in ClinVar's aggregate classification.

University of Washington Center for Mendelian Genomics, University of Washington
Classification: Likely pathogenic for Asphyxiating thoracic dystrophy 3. Review status: no assertion criteria provided. Collection method: research. Allele origin: inherited. Affected: yes. Not counted in ClinVar's aggregate classification.

Literature cited by the submitters: PubMed 23339108 (cited by Labcorp Genetics (formerly Invitae), Labcorp); PubMed 32753734 (cited by Labcorp Genetics (formerly Invitae), Labcorp); PubMed 33755199 (cited by Labcorp Genetics (formerly Invitae), Labcorp); PubMed 29068549 (cited by 3 submitters).